The following is an entry in ClinVar:

NM_153717.3(EVC):c.1286dup (p.Trp430fs)

Gene: EVC (EvC ciliary complex subunit 1; plus strand). Cytogenetic location: 4p16.2.
Variant type: Duplication.
Coding change: c.1286dup on transcript NM_153717.3 (MANE Select); coding-DNA position 1286, one base duplicated (T; older notation c.1286dupT).
Protein change: p.Trp430fs; shifts the reading frame from tryptophan 430.
Molecular consequence: frameshift variant.
Genome position (GRCh38, 1-based): chr4:5,753,023, T duplicated; the last of 2 consecutive T bases (chr4:5,753,022-5,753,023); duplicating either gives the same sequence. VCF-style (leftmost placement, unchanged base first): chr4-5753021-C-CT. GRCh37 (hg19) VCF-style: chr4-5754748-C-CT.
Other names: c.1286dup, p.Trp430fs (NM_001306090.2, NM_001306092.2); short protein forms W430fs.
Identifiers: ClinVar variation 5012004 (VCV005012004.1).

ClinVar aggregate classification (germline): Pathogenic (1 of 4 stars; one submission).

Conditions:
Ellis-van Creveld syndrome (EVC). Also called: MESOECTODERMAL DYSPLASIA; Chondroectodermal dysplasia. Identifiers: Orphanet 289, MedGen C0013903, MONDO:0009162, OMIM 225500.

Submission:

Myriad Genetics, Inc.
Classification: Pathogenic for Ellis-van Creveld syndrome. Last evaluated: 2023-09-27. Review status: criteria provided, single submitter. Criteria: Myriad Autosomal Dominant, Autosomal Recessive and X-Linked Classification Criteria (2023). Collection method: clinical testing. Allele origin: unknown.
Comment: NM_153717.2(EVC):c.1286dupT(W430Lfs*47) is expected to be pathogenic in the context of EVC-related Ellis-van Creveld syndrome. This variant is predicted to lead to an abnormal or absent protein product due to the creation of a premature termination codon in EVC, a gene where loss-of-function variants are known to be pathogenic. Please note: this variant was assessed in the context of healthy population screening.